The following is an entry in ClinVar:

NM_005379.4(MYO1A):c.48G>T (p.Leu16=)

Gene: MYO1A (myosin IA; minus strand). Cytogenetic location: 12q13.3.
Variant type: single nucleotide variant.
Coding change: c.48G>T on transcript NM_005379.4 (MANE Select); coding-DNA position 48, G replaced by T.
Protein change: p.Leu16=; no amino-acid change (leucine 16 retained).
Molecular consequence: synonymous variant.
Genome position (GRCh38, 1-based): chr12:57,048,276, C>A on the plus strand (G>T on the coding strand, the complement: MYO1A is on the minus strand). VCF-style: chr12-57048276-C-A. GRCh37 (hg19) VCF-style: chr12-57442060-C-A.
Other names: c.48G>T, p.Leu16= (NM_001256041.2).
Identifiers: ClinVar variation 227660 (VCV000227660.29), dbSNP rs201000642, ClinGen allele CA6640632.

ClinVar aggregate classification (germline): Likely benign. Review status: criteria provided, multiple submitters, no conflicts (2 of 4 stars). 3 submissions from 3 submitters: Likely benign (3). Last evaluated 2022-10-01.

Allele frequency attached by ClinVar (database versions not stated): ESP Exome Variant Server 0.00008; gnomAD 0.00010; TOPMed 0.00023.
gnomAD v4.1: 347 of 1,614,070 alleles (0.021%); highest among the groups gnomAD compares: Middle Eastern, 0.28%; no homozygotes.

Submissions (3):

CeGaT Center for Human Genetics Tuebingen
Classification: Likely benign. Last evaluated: 2022-10-01. Review status: criteria provided, single submitter. Criteria: CeGaT Center For Human Genetics Tuebingen Variant Classification Criteria Version 2. Collection method: clinical testing. Allele origin: germline. Affected: yes. Observed: 1 variant allele.
Comment: MYO1A: BP4

Laboratory for Molecular Medicine, Mass General Brigham Personalized Medicine
Classification: Likely benign. Last evaluated: 2015-02-25. Review status: criteria provided, single submitter. Criteria: LMM Criteria. Collection method: clinical testing. Allele origin: germline. Observed: 1 variant allele.
Comment: p.Leu16Leu in exon 2 of MYO1A: This variant is not expected to have clinical sig nificance because it does not alter an amino acid residue and is not located wit hin the splice consensus sequence. It has been identified in 3/11518 Latino chro mosomes and 13/66496 European chromosomes by the Exome Aggregation Consortium (E xAC; dbSNP rs201000642). It should be noted that variants in MYO1A are not related hearing loss due to recent evidence disqualif ying an association between variants in this gene and hearing loss (Eisenberger 2014).

Breakthrough Genomics
Classification: Likely benign. Review status: criteria provided, single submitter. Criteria: ACMG Guidelines, 2015. Collection method: not provided. Allele origin: germline. Inheritance: Unknown mechanism. Affected: yes.

Literature cited by the submitters: PubMed 24616153 (cited by Laboratory for Molecular Medicine, Mass General Brigham Personalized Medicine).